The following is an entry in ClinVar:

ClinVar aggregate classification (germline): Uncertain significance (1 of 4 stars; one submission).

Conditions:
Hereditary cancer-predisposing syndrome. Also called: Neoplastic Syndromes, Hereditary; Tumor predisposition; Hereditary Cancer Syndrome; Hereditary neoplastic syndrome. Identifiers: Orphanet 140162, MedGen C0027672, MeSH D009386, MONDO:0015356.

Submission:

Ambry Genetics
Classification: Uncertain significance for Hereditary cancer-predisposing syndrome. Last evaluated: 2025-10-17. Review status: criteria provided, single submitter. Criteria: Ambry Variant Classification Scheme 2023. Collection method: clinical testing. Allele origin: germline.
Comment: The p.N524H variant (also known as c.1570A>C), located in coding exon 11 of the MSH3 gene, results from an A to C substitution at nucleotide position 1570. The asparagine at codon 524 is replaced by histidine, an amino acid with similar properties. This amino acid position is conserved. In addition, this alteration is predicted to be tolerated by in silico analysis. Based on the available evidence, the clinical significance of this variant remains unclear.

NM_002439.5(MSH3):c.1570A>C (p.Asn524His)

Gene: MSH3 (mutS homolog 3; plus strand). Cytogenetic location: 5q14.1.
Variant type: single nucleotide variant.
Coding change: c.1570A>C on transcript NM_002439.5 (MANE Select); coding-DNA position 1570, A replaced by C.
Protein change: p.Asn524His; replaces asparagine 524 with histidine.
Molecular consequence: missense variant.
Genome position (GRCh38, 1-based): chr5:80,741,465, A>C. VCF-style: chr5-80741465-A-C. GRCh37 (hg19) VCF-style: chr5-80037284-A-C.
Other names: short protein forms N524H.
Identifiers: ClinVar variation 4654506 (VCV004654506.1).